The following is an entry in ClinVar:

ClinVar aggregate classification (germline): Uncertain significance. Review status: criteria provided, single submitter (1 of 4 stars). 2 submissions from 2 submitters: Uncertain significance (1). 1 of the submissions does not count toward it. Last evaluated 2026-06-24.

Conditions:
Megalencephalic leukoencephalopathy with subcortical cysts. Also called: VAN DER KNAAP DISEASE. Identifiers: Orphanet 2478, MedGen C1858854, MONDO:0011391.

gnomAD v4.1: 3 of 1,598,304 alleles (0.00019%); highest among the groups gnomAD compares: South Asian, 0.0022%; no homozygotes.

Submissions (2):

Women's Health and Genetics/Laboratory Corporation of America, LabCorp
Classification: Uncertain significance. Last evaluated: 2026-06-24. Review status: criteria provided, single submitter. Criteria: LabCorp Variant Classification Summary - May 2015. Collection method: clinical testing. Allele origin: germline.
Comment: Variant summary: MLC1 c.904G>A (p.Asp302Asn) results in a conservative amino acid change in the encoded protein sequence. Algorithms developed to predict the effect of missense changes on protein structure and function are either unavailable or do not agree on the potential impact of this missense change. The frequency data for this variant in gnomAD is considered unreliable, as metrics indicate poor data quality at this position. To our knowledge, no occurrence of c.904G>A in individuals affected with MLC1-related conditions and no experimental evidence demonstrating its impact on protein function have been reported. ClinVar contains an entry for this variant (Variation ID: 4057755). Based on the evidence outlined above, the variant was classified as uncertain significance.

Natera, Inc.
Classification: Uncertain significance for Megalencephalic leukoencephalopathy with subcortical cysts. Last evaluated: 2025-03-15. Review status: no assertion criteria provided. Collection method: clinical testing. Allele origin: germline. Not counted in ClinVar's aggregate classification.

NM_015166.4(MLC1):c.904G>A (p.Asp302Asn)

Gene: MLC1 (modulator of VRAC current 1; minus strand). Cytogenetic location: 22q13.33.
Variant type: single nucleotide variant.
Coding change: c.904G>A on transcript NM_015166.4 (MANE Select); coding-DNA position 904, G replaced by A.
Protein change: p.Asp302Asn; replaces aspartic acid 302 with asparagine.
Molecular consequence: missense variant. On other transcripts: non-coding transcript variant (3).
Genome position (GRCh38, 1-based): chr22:50,064,189, C>T on the plus strand (G>A on the coding strand, the complement: MLC1 is on the minus strand). VCF-style: chr22-50064189-C-T. GRCh37 (hg19) VCF-style: chr22-50502618-C-T.
Other names: c.904G>A, p.Asp302Asn (NM_001376472.1, NM_001376473.1, NM_001376474.1 and 5 more transcripts); c.847G>A, p.Asp283Asn (NM_001376479.1); c.814G>A, p.Asp272Asn (NM_001376480.1); c.802G>A, p.Asp268Asn (NM_001376481.1); c.748G>A, p.Asp250Asn (NM_001376482.1, NM_001376483.1); c.667G>A, p.Asp223Asn (NM_001376484.1); short protein forms D223N, D250N, D268N, D272N, D283N, D302N.
Identifiers: ClinVar variation 4057755 (VCV004057755.2).
Genomic context (GRCh38, chr22:50,064,189, plus strand): 5'-TGCCCGTGTTGAGGCCGGCCTGCAGCAGGAGCACTAGCAGCAGCAGCAGCAGCAGCACAT[C>T]GTAGGATGGCTGCAGGCGGAAGGAGGTGTGAGCAGAGTGGCCCAGCCGCCCTCCAGCCCA-3'
Protein context (NP_055981.1, residues 292-312): DYPPAIKPSY[Asp302Asn]VLLLLLLLVL